The following is an entry in ClinVar:

NM_138459.5(NUS1):c.324G>A (p.Val108=)

Gene: NUS1 (NUS1 dehydrodolichyl diphosphate synthase subunit; plus strand). Cytogenetic location: 6q22.1.
Variant type: single nucleotide variant.
Coding change: c.324G>A on transcript NM_138459.5 (MANE Select); coding-DNA position 324, G replaced by A.
Protein change: p.Val108=; no amino-acid change (valine 108 retained).
Molecular consequence: synonymous variant.
Genome position (GRCh38, 1-based): chr6:117,675,994, G>A. VCF-style: chr6-117675994-G-A. GRCh37 (hg19) VCF-style: chr6-117997157-G-A.
Identifiers: ClinVar variation 1639771 (VCV001639771.16), dbSNP rs769619847, ClinGen allele CA3977087.
Genomic context (GRCh38, chr6:117,675,994, plus strand): 5'-CGCGGACGGTCGTTCCTTGGAGAAGCTGCCTGTGCATATGGGCCTGGTGATCACCGAGGT[G>A]GAGCAGGAACCCAGCTTCTCGGACATCGCGAGCCTCGTGGTGTGGTGTATGGCCGTGGGC-3'
Protein context (NP_612468.1, residues 98-118): PVHMGLVITE[Val108=]EQEPSFSDIA

ClinVar aggregate classification (germline): Likely benign. Review status: criteria provided, multiple submitters, no conflicts (2 of 4 stars). 3 submissions from 3 submitters: Likely benign (3). Last evaluated 2025-09-01.

Conditions:
Congenital disorder of glycosylation, type Iaa. Also called: Congenital disorder of glycosylation, type 1aa. Identifiers: MedGen C4310727, MONDO:0014904, OMIM 617082.

Allele frequency attached by ClinVar (database versions not stated): gnomAD 0.00001 and 0.00002; gnomAD exomes 0.00001; TOPMed 0.00001; ExAC 0.00006.
gnomAD v4.1: 14 of 1,549,532 alleles (0.0009%); highest among the groups gnomAD compares: South Asian, 0.0048%; no homozygotes.

Submissions (3):

CeGaT Center for Human Genetics Tuebingen
Classification: Likely benign. Last evaluated: 2025-09-01. Review status: criteria provided, single submitter. Criteria: CeGaT Center For Human Genetics Tuebingen Variant Classification Criteria Version 2. Collection method: clinical testing. Allele origin: germline. Affected: yes. Observed: 1 variant allele.
Comment: NUS1: BP4, BP7

Labcorp Genetics (formerly Invitae), Labcorp
Classification: Likely benign for Congenital disorder of glycosylation, type Iaa. Last evaluated: 2025-03-30. Review status: criteria provided, single submitter. Criteria: Invitae Variant Classification Sherloc (09022015). Collection method: clinical testing. Allele origin: germline.

Blueprint Genetics
Classification: Likely benign. Last evaluated: 2023-05-03. Review status: criteria provided, single submitter. Criteria: ACMG Guidelines, 2015. Collection method: clinical testing. Allele origin: germline.